The following is an entry in ClinVar:

NM_001287491.2(TET3):c.3610T>G (p.Ser1204Ala)

Gene: TET3 (tet methylcytosine dioxygenase 3; plus strand). Cytogenetic location: 2p13.1.
Variant type: single nucleotide variant.
Coding change: c.3610T>G on transcript NM_001287491.2 (MANE Select); coding-DNA position 3610, T replaced by G.
Protein change: p.Ser1204Ala; replaces serine 1204 with alanine.
Molecular consequence: missense variant.
Genome position (GRCh38, 1-based): chr2:74,100,398, T>G. VCF-style: chr2-74100398-T-G. GRCh37 (hg19) VCF-style: chr2-74327525-T-G.
Other names: c.3331T>G, p.Ser1111Ala (NM_001366022.1); short protein forms S1111A, S1204A.
Identifiers: ClinVar variation 3902768 (VCV003902768.1).
Genomic context (GRCh38, chr2:74,100,398, plus strand): 5'-TCTCCAGGCTGTGGTGTTGTCTGCCCCTCTGCCATCTTGCCTTCTGTTTCCCCAGGCCTG[T>G]CTCTGAAGGGTGGATTGTCCCAGCAAGGCCTGAAGCCCTCCCTCAAGGTGGAGCCGCAGA-3'
Protein context (NP_001274420.1, residues 1194-1214): LAGITSDPGL[Ser1204Ala]LKGGLSQQGL

ClinVar aggregate classification (germline): Uncertain significance (1 of 4 stars; one submission).

gnomAD v4.1: 2 of 1,560,058 alleles (0.00013%); highest among the groups gnomAD compares: Admixed American, 0.0019%; no homozygotes.

Submission:

Women's Health and Genetics/Laboratory Corporation of America, LabCorp
Classification: Uncertain significance. Last evaluated: 2025-05-21. Review status: criteria provided, single submitter. Criteria: LabCorp Variant Classification Summary - May 2015. Collection method: clinical testing. Allele origin: germline.
Comment: Variant summary: TET3 c.3610T>G (p.Ser1204Ala) results in a conservative amino acid change in the encoded protein sequence. Algorithms developed to predict the effect of missense changes on protein structure and function all suggest that this variant is likely to be tolerated. The variant was absent in 170072 control chromosomes. The available data on variant occurrences in the general population are insufficient to allow any conclusion about variant significance. To our knowledge, no occurrence of c.3610T>G in individuals affected with Beck-Fahrner Syndrome and no experimental evidence demonstrating its impact on protein function have been reported. No submitters have cited clinical-significance assessments for this variant to ClinVar. Based on the evidence outlined above, the variant was classified as uncertain significance.